The following is an entry in ClinVar:

NM_001371928.1(AHDC1):c.1178T>C (p.Leu393Pro)

Gene: AHDC1 (AT-hook DNA binding motif containing 1; minus strand). Cytogenetic location: 1p36.11.
Variant type: single nucleotide variant.
Coding change: c.1178T>C on transcript NM_001371928.1 (MANE Select); coding-DNA position 1178, T replaced by C.
Protein change: p.Leu393Pro; replaces leucine 393 with proline.
Molecular consequence: missense variant.
Genome position (GRCh38, 1-based): chr1:27,550,938, A>G on the plus strand (T>C on the coding strand, the complement: AHDC1 is on the minus strand). VCF-style: chr1-27550938-A-G. GRCh37 (hg19) VCF-style: chr1-27877449-A-G.
Other names: c.1178T>C, p.Leu393Pro (NM_001029882.3); short protein forms L393P.
Identifiers: ClinVar variation 4026073 (VCV004026073.2).

ClinVar aggregate classification (germline): Uncertain significance. Review status: criteria provided, multiple submitters, no conflicts (2 of 4 stars). 2 submissions from 2 submitters: Uncertain significance (2). Last evaluated 2026-01-09.

Conditions:
Inborn genetic diseases. Identifiers: MedGen C0950123, MeSH D030342.

gnomAD v4.1: 1 of 1,599,022 alleles (0.000063%); highest among the groups gnomAD compares: Non-Finnish European, 0.000085%; no homozygotes.

Submissions (2):

Labcorp Genetics (formerly Invitae), Labcorp
Classification: Uncertain significance. Last evaluated: 2026-01-09. Review status: criteria provided, single submitter. Criteria: Invitae Variant Classification Sherloc (09022015). Collection method: clinical testing. Allele origin: germline.
Comment: This sequence change replaces leucine, which is neutral and non-polar, with proline, which is neutral and non-polar, at codon 393 of the AHDC1 protein (p.Leu393Pro). This variant is not present in population databases (gnomAD no frequency). This variant has not been reported in the literature in individuals affected with AHDC1-related conditions. ClinVar contains an entry for this variant (Variation ID: 4026073). An algorithm developed to predict the effect of missense changes on protein structure and function (PolyPhen-2) suggests that this variant is likely to be disruptive. In summary, the available evidence is currently insufficient to determine the role of this variant in disease. Therefore, it has been classified as a Variant of Uncertain Significance.

Ambry Genetics
Classification: Uncertain significance for Inborn genetic diseases. Last evaluated: 2025-04-03. Review status: criteria provided, single submitter. Criteria: Ambry Variant Classification Scheme 2023. Collection method: clinical testing. Allele origin: germline.